The following is an entry in ClinVar:

ClinVar aggregate classification (germline): Pathogenic (1 of 4 stars; one submission).

Conditions:
Arrhythmogenic right ventricular dysplasia 10. Also called: Arrhythmogenic Right Ventricular Dysplasia/Cardiomyopathy10; Arrhythmogenic right ventricular dysplasia/cardiomyopathy, type 10; ARRHYTHMOGENIC RIGHT VENTRICULAR DYSPLASIA, FAMILIAL, 10. Identifiers: MedGen C1857777, MONDO:0012434, OMIM 610193.

Submission:

Labcorp Genetics (formerly Invitae), Labcorp
Classification: Pathogenic for Arrhythmogenic right ventricular dysplasia 10. Last evaluated: 2023-12-13. Review status: criteria provided, single submitter. Criteria: Invitae Variant Classification Sherloc (09022015). Collection method: clinical testing. Allele origin: germline.
Comment: This sequence change creates a premature translational stop signal (p.Ser167Leufs*5) in the DSG2 gene. It is expected to result in an absent or disrupted protein product. Loss-of-function variants in DSG2 are known to be pathogenic (PMID: 17105751, 31386562). This variant is not present in population databases (gnomAD no frequency). This variant has not been reported in the literature in individuals affected with DSG2-related conditions. For these reasons, this variant has been classified as Pathogenic.

Literature cited by the submitters: PubMed 17105751; PubMed 31386562.

NM_001943.5(DSG2):c.498del (p.Ser167fs)

Gene: DSG2 (desmoglein 2; plus strand). Cytogenetic location: 18q12.1.
Variant type: Deletion.
Coding change: c.498del on transcript NM_001943.5 (MANE Select); coding-DNA position 498, one base deleted (G; older notation c.498delG).
Protein change: p.Ser167fs; shifts the reading frame from serine 167.
Molecular consequence: frameshift variant.
Genome position (GRCh38, 1-based): chr18:31,521,218, G deleted; the last of 3 consecutive G bases (chr18:31,521,216-31,521,218); deleting any one gives the same sequence. VCF-style (leftmost placement, unchanged base first): chr18-31521215-TG-T. GRCh37 (hg19) VCF-style: chr18-29101178-TG-T.
Other names: short protein forms S167fs.
Identifiers: ClinVar variation 2746733 (VCV002746733.3), dbSNP rs2510911160, ClinGen allele CA2697555384.